The following is an entry in ClinVar:

ClinVar aggregate classification (germline): Uncertain significance (1 of 4 stars; one submission).

Allele frequency attached by ClinVar (database versions not stated): gnomAD 0.00001; TOPMed 0.00001; ExAC 0.00012.
gnomAD v4.1: 82 of 1,612,076 alleles (0.0051%); highest among the groups gnomAD compares: South Asian, 0.056%; no homozygotes.

Submission:

Labcorp Genetics (formerly Invitae), Labcorp
Classification: Uncertain significance. Last evaluated: 2024-06-09. Review status: criteria provided, single submitter. Criteria: Invitae Variant Classification Sherloc (09022015). Collection method: clinical testing. Allele origin: germline.
Comment: This sequence change affects codon 641 of the DDX58 mRNA. It is a 'silent' change, meaning that it does not change the encoded amino acid sequence of the DDX58 protein. It affects a nucleotide within the consensus splice site. This variant is present in population databases (rs755898188, gnomAD 0.07%), and has an allele count higher than expected for a pathogenic variant. This variant has not been reported in the literature in individuals affected with DDX58-related conditions. ClinVar contains an entry for this variant (Variation ID: 1402149). Algorithms developed to predict the effect of sequence changes on RNA splicing suggest that this variant is not likely to affect RNA splicing. In summary, the available evidence is currently insufficient to determine the role of this variant in disease. Therefore, it has been classified as a Variant of Uncertain Significance.

NM_014314.4(RIGI):c.1923C>T (p.Asp641=)

Gene: RIGI (RNA sensor RIG-I; minus strand). Cytogenetic location: 9p21.1.
Variant type: single nucleotide variant.
Coding change: c.1923C>T on transcript NM_014314.4 (MANE Select); coding-DNA position 1923, C replaced by T.
Protein change: p.Asp641=; no amino-acid change (aspartic acid 641 retained).
Molecular consequence: synonymous variant.
Genome position (GRCh38, 1-based): chr9:32,476,983, G>A on the plus strand (C>T on the coding strand, the complement: RIGI is on the minus strand). VCF-style: chr9-32476983-G-A. GRCh37 (hg19) VCF-style: chr9-32476981-G-A.
Other names: c.1917C>T, p.Asp639= (NM_001385907.1); c.1923C>T, p.Asp641= (NM_001385909.1); c.1482C>T, p.Asp494= (NM_001385910.1); c.1314C>T, p.Asp438= (NM_001385912.1); c.1908C>T, p.Asp636= (NM_001385913.1); c.1479C>T, p.Asp493= (NM_001385914.1).
Identifiers: ClinVar variation 1402149 (VCV001402149.6), dbSNP rs755898188, ClinGen allele CA5019643.